The following is an entry in ClinVar:

ClinVar aggregate classification (germline): Uncertain significance (1 of 4 stars; one submission).

Conditions:
Epidermolysis bullosa simplex 5B, with muscular dystrophy (EBS5B). Also called: EPIDERMOLYSIS BULLOSA SIMPLEX AND LIMB-GIRDLE MUSCULAR DYSTROPHY; Epidermolysis bullosa simplex with muscular dystrophy. Identifiers: Orphanet 257, MedGen C2931072, MONDO:0009181, OMIM 226670.
Epidermolysis bullosa simplex, Ogna type (EBS5A). Also called: Pidermolysis bullosa simplex 5A, Ogna type; EPIDERMOLYSIS BULLOSA SIMPLEX 5A, OGNA TYPE. Identifiers: Orphanet 79401, MedGen C0432317, MONDO:0007555, OMIM 131950.
Epidermolysis bullosa simplex with nail dystrophy (EBS5D). Identifiers: MedGen C4225309, MONDO:0014661, OMIM 616487.
Epidermolysis bullosa simplex 5C, with pyloric atresia (EBS5C). Also called: PLEC1-Related Epidermolysis Bullosa with Pyloric Atresia; Epidermolysis bullosa simplex with pyloric atresia; PLEC-Related Epidermolysis Bullosa with Pyloric Atresia. Identifiers: Orphanet 158684, MedGen C2677349, MONDO:0012807, OMIM 612138.
Autosomal recessive limb-girdle muscular dystrophy type 2Q (LGMDR17). Also called: MUSCULAR DYSTROPHY, LIMB-GIRDLE, AUTOSOMAL RECESSIVE 17. Identifiers: Orphanet 254361, MedGen C3150989, MONDO:0013390, OMIM 613723.

Allele frequency attached by ClinVar (database versions not stated): TOPMed below 0.00001; gnomAD 0.00001; gnomAD exomes 0.00001; ExAC 0.00003.
gnomAD v4.1: 8 of 1,573,140 alleles (0.00051%); highest among the groups gnomAD compares: South Asian, 0.0046%; no homozygotes.

Submission:

Labcorp Genetics (formerly Invitae), Labcorp
Classification: Uncertain significance for Autosomal recessive limb-girdle muscular dystrophy type 2Q; Epidermolysis bullosa simplex, Ogna type; Epidermolysis bullosa simplex with nail dystrophy; Epidermolysis bullosa simplex 5C, with pyloric atresia; Epidermolysis bullosa simplex 5B, with muscular dystrophy. Last evaluated: 2021-05-20. Review status: criteria provided, single submitter. Criteria: Invitae Variant Classification Sherloc (09022015). Collection method: clinical testing. Allele origin: germline.
Comment: In summary, the available evidence is currently insufficient to determine the role of this variant in disease. Therefore, it has been classified as a Variant of Uncertain Significance. Algorithms developed to predict the effect of missense changes on protein structure and function are either unavailable or do not agree on the potential impact of this missense change (SIFT: "Deleterious"; PolyPhen-2: "Not Available"; Align-GVGD: "Class C25"). This variant has not been reported in the literature in individuals with PLEC-related conditions. This variant is present in population databases (rs782182287, ExAC 0.01%). This sequence change replaces arginine with cysteine at codon 1049 of the PLEC protein (p.Arg1049Cys). The arginine residue is moderately conserved and there is a large physicochemical difference between arginine and cysteine.

NM_201384.3(PLEC):c.3064C>T (p.Arg1022Cys)

Gene: PLEC (plectin; minus strand). Cytogenetic location: 8q24.3.
Variant type: single nucleotide variant.
Coding change: c.3064C>T on transcript NM_201384.3 (MANE Select); coding-DNA position 3064, C replaced by T.
Protein change: p.Arg1022Cys; replaces arginine 1022 with cysteine.
Molecular consequence: missense variant.
Genome position (GRCh38, 1-based): chr8:143,929,431, G>A on the plus strand (C>T on the coding strand, the complement: PLEC is on the minus strand). VCF-style: chr8-143929431-G-A. GRCh37 (hg19) VCF-style: chr8-145003599-G-A.
Other names: c.2968C>T, p.Arg990Cys (NM_201381.3); c.3064C>T, p.Arg1022Cys (NM_201382.4); c.3076C>T, p.Arg1026Cys (NM_201383.3); c.3145C>T, p.Arg1049Cys (NM_000445.5); c.3022C>T, p.Arg1008Cys (NM_201378.4); c.2998C>T, p.Arg1000Cys (NM_201379.3); c.3475C>T, p.Arg1159Cys (NM_201380.4); short protein forms R1022C, R990C, R1000C, R1159C, R1008C, R1026C, R1049C.
Identifiers: ClinVar variation 1428582 (VCV001428582.8), dbSNP rs782182287, ClinGen allele CA4927243.